The following is an entry in ClinVar:

NM_000059.4(BRCA2):c.6761T>A (p.Phe2254Tyr)

Gene: BRCA2 (BRCA2 DNA repair associated; plus strand). Cytogenetic location: 13q13.1.
Variant type: single nucleotide variant.
Coding change: c.6761T>A on transcript NM_000059.4 (MANE Select); coding-DNA position 6761, T replaced by A.
Protein change: p.Phe2254Tyr; replaces phenylalanine 2254 with tyrosine.
Molecular consequence: missense variant.
Genome position (GRCh38, 1-based): chr13:32,341,116, T>A. VCF-style: chr13-32341116-T-A. GRCh37 (hg19) VCF-style: chr13-32915253-T-A.
Other names: short protein forms F2254Y.
Identifiers: ClinVar variation 186392 (VCV000186392.47), dbSNP rs786202915, ClinGen allele CA024385.

ClinVar aggregate classification (germline): Conflicting classifications of pathogenicity. Review status: criteria provided, conflicting classifications (1 of 4 stars). 14 submissions from 14 submitters: Uncertain significance (8); Likely benign (3). 3 of the submissions do not count toward it. Last evaluated 2026-04-29.

Conditions:
BRCA2-related cancer predisposition. Identifiers: MedGen CN377758, MONDO:0700269.
BRCA2-related disorder. Also called: BRCA2-related condition; BRCA2-related disorders. Identifiers: MedGen CN239275.
Breast and/or ovarian cancer. Identifiers: MedGen CN221562.
Hereditary cancer-predisposing syndrome. Also called: Neoplastic Syndromes, Hereditary; Tumor predisposition; Hereditary neoplastic syndrome; Hereditary Cancer Syndrome. Identifiers: Orphanet 140162, MedGen C0027672, MeSH D009386, MONDO:0015356.
Hereditary breast ovarian cancer syndrome. Also called: Hereditary breast and/or ovarian cancer syndrome; Hereditary breast and ovarian cancer syndrome; Hereditary breast and ovarian cancer; Hereditary breast and ovarian cancer syndrome (HBOC); Breast and ovarian cancer; BRCA1- and BRCA2-Associated Hereditary Breast and Ovarian Cancer. Identifiers: Orphanet 145, MedGen C0677776, MeSH D061325, MONDO:0003582. Disease mechanism: loss of function.
Breast-ovarian cancer, familial, susceptibility to, 2 (BROVCA2). Also called: BRCA2 Hereditary Breast and Ovarian Cancer. Identifiers: Orphanet 145, MedGen C2675520, MONDO:0012933, OMIM 612555. Disease mechanism: loss of function.
Malignant tumor of breast. Also called: Malignant breast neoplasm; Cancer breast. Identifiers: MedGen C0006142, MONDO:0007254. Disease mechanism: loss of function.

Allele frequency attached by ClinVar (database versions not stated): gnomAD exomes below 0.00001.
gnomAD v4.1: 4 of 1,613,986 alleles (0.00025%); highest among the groups gnomAD compares: East Asian, 0.0022%; no homozygotes.

Submissions 1 to 10 of 14:

PreventionGenetics, part of Exact Sciences
Classification: Uncertain significance for BRCA2-related condition. Last evaluated: 2026-04-29. Review status: criteria provided, single submitter. Criteria: ACMG Guidelines, 2015. Collection method: clinical testing. Allele origin: germline.
Comment: The BRCA2 c.6761T>A variant is predicted to result in the amino acid substitution p.Phe2254Tyr. This variant has been reported in individuals with breast cancer (Breast Cancer Association Consortium et al. 2021. PubMed ID: 33471991) and has been reported in a study of individuals with familial/hereditary cancer syndromes (Table S3, AlHarbi et al. 2023. PubMed ID: 37306523). This variant has not been reported in a large population database (gnomAD), indicating this variant is rare, however it has been reported in unaffected individuals (Breast Cancer Association Consortium et al. 2021. PubMed ID: 33471991). It has conflicting interpretations in ClinVar ranging from uncertain significance to likely benign (Variation ID: 186392). Although we suspect that this variant may be benign, at this time, the clinical significance of this variant is uncertain due to the absence of conclusive functional and genetic evidence.

Labcorp Genetics (formerly Invitae), Labcorp
Classification: Likely benign for Hereditary breast ovarian cancer syndrome. Last evaluated: 2026-01-28. Review status: criteria provided, single submitter. Criteria: Invitae Variant Classification Sherloc (09022015). Collection method: clinical testing. Allele origin: germline.

Women's Health and Genetics/Laboratory Corporation of America, LabCorp
Classification: Uncertain significance. Last evaluated: 2026-01-22. Review status: criteria provided, single submitter. Criteria: LabCorp Variant Classification Summary - May 2015. Collection method: clinical testing. Allele origin: germline.
Comment: Variant summary: BRCA2 c.6761T>A (p.Phe2254Tyr) results in a conservative amino acid change in the encoded protein sequence. Algorithms developed to predict the effect of missense changes on protein structure and function all suggest that this variant is likely to be tolerated. The variant was absent in 251266 control chromosomes. The available data on variant occurrences in the general population are insufficient to allow any conclusion about variant significance. c.6761T>A has been observed in individuals affected with breast cancer (e.g., Al Harbi_2023, Khandakji_2023, Matusin_2025) or prostate cancer (Foley_2024), without strong evidence of causality. These reports do not provide unequivocal conclusions about association of the variant with Hereditary Breast And Ovarian Cancer Syndrome. To our knowledge, no experimental evidence demonstrating an impact on protein function has been reported. The following publications have been ascertained in the context of this evaluation (PMID: 37306523, 39001544, 37335020, 40531958). ClinVar contains an entry for this variant (Variation ID: 186392). Based on the evidence outlined above, the variant was classified as uncertain significance.

Color Diagnostics, LLC DBA Color Health
Classification: Uncertain significance for Hereditary cancer-predisposing syndrome. Last evaluated: 2025-08-13. Review status: criteria provided, single submitter. Criteria: ACMG Guidelines, 2015. Collection method: clinical testing. Allele origin: germline.
Comment: This missense variant replaces phenylalanine with tyrosine at codon 2254 of the BRCA2 protein. Computational prediction suggests that this variant may not impact protein structure and function. To our knowledge, functional studies have not been reported for this variant. This variant has been reported in an individual affected with breast cancer (PMID: 37306523) and also has been detected in a breast cancer case-control meta-analysis in 2/60466 cases and 1/53461 unaffected individuals (PMID: 33471991Leiden Open Variation Database DB-ID BRCA2_002298). This variant has not been identified in the general population by the Genome Aggregation Database (gnomAD). The available evidence is insufficient to determine the role of this variant in disease conclusively. Therefore, this variant is classified as a Variant of Uncertain Significance.

Ambry Genetics
Classification: Uncertain significance for Hereditary cancer-predisposing syndrome. Last evaluated: 2025-03-07. Review status: criteria provided, single submitter. Criteria: Ambry Variant Classification Scheme 2023. Collection method: clinical testing. Allele origin: germline.
Comment: The p.F2254Y variant (also known as c.6761T>A), located in coding exon 10 of the BRCA2 gene, results from a T to A substitution at nucleotide position 6761. The phenylalanine at codon 2254 is replaced by tyrosine, an amino acid with highly similar properties. This variant was reported in 2/60,466 breast cancer cases and in 1/53,461 controls (Dorling et al. N Engl J Med. 2021 02;384:428-439). This amino acid position is not well conserved in available vertebrate species. In addition, this alteration is predicted to be tolerated by in silico analysis. Since supporting evidence is limited at this time, the clinical significance of this alteration remains unclear.

ARUP Laboratories, Molecular Genetics and Genomics, ARUP Laboratories
Classification: Likely benign. Last evaluated: 2024-09-09. Review status: criteria provided, single submitter. Criteria: ARUP Molecular Germline Variant Investigation Process 2024. Collection method: clinical testing. Allele origin: germline.

GeneDx
Classification: Uncertain significance. Last evaluated: 2024-04-25. Review status: criteria provided, single submitter. Criteria: GeneDx Variant Classification Process June 2021. Collection method: clinical testing. Allele origin: germline. Affected: yes.
Comment: Not observed at significant frequency in large population cohorts (gnomAD); In silico analysis indicates that this missense variant does not alter protein structure/function; Also known as 6989T>A; This variant is associated with the following publications: (PMID: 26295337, 37306523, 37335020, 33471991)

All of Us Research Program, National Institutes of Health
Classification: Uncertain significance for BRCA2-related cancer predisposition. Last evaluated: 2024-02-22. Review status: criteria provided, single submitter. Criteria: ACMG Guidelines, 2015. Collection method: clinical testing. Allele origin: germline. Inheritance: Autosomal dominant inheritance. Observed: 3 variant alleles, 3 heterozygotes.
Comment: This missense variant replaces phenylalanine with tyrosine at codon 2254 of the BRCA2 protein. Computational prediction suggests that this variant may not impact protein structure and function (internally defined REVEL score threshold <= 0.5, PMID: 27666373). To our knowledge, functional studies have not been reported for this variant. This variant has been reported in a breast cancer case-control meta-analysis in 2/60464 cases and 1/53460 unaffected individuals (PMID: 33471991; Leiden Open Variation Database DB-ID BRCA2_002298). This variant has not been identified in the general population by the Genome Aggregation Database (gnomAD). The available evidence is insufficient to determine the role of this variant in disease conclusively. Therefore, this variant is classified as a Variant of Uncertain Significance.

This study involves interpretation of variants in research participants for the purpose of population health screening. Participant phenotype was not available at the time of variant classification. Additional details can be found in publication PMID: 35346344, PMCID: PMC8962531

Quest Diagnostics Nichols Institute San Juan Capistrano
Classification: Uncertain significance. Last evaluated: 2023-05-09. Review status: criteria provided, single submitter. Criteria: Quest Diagnostics criteria. Collection method: clinical testing. Allele origin: unknown.
Comment: In the published literature, the variant has been reported in individuals with breast cancer and in an unaffected individual (PMID: 33471991 (2021), see also LOVD). It has not been reported in large, multi-ethnic general populations. Analysis of this variant using bioinformatics tools for the prediction of the effect of amino acid changes on protein structure and function yielded predictions that this variant is benign. Based on the available information, we are unable to determine the clinical significance of this variant.

University of Washington Department of Laboratory Medicine, University of Washington
Classification: Likely benign for Hereditary cancer-predisposing syndrome. Last evaluated: 2023-03-23. Review status: criteria provided, single submitter. Criteria: Dines et al. (Genet Med. 2020). Collection method: curation. Allele origin: germline.
Comment: Missense variant in a coldspot region where missense variants are very unlikely to be pathogenic (PMID:31911673).

BRCA2 exon 11 coldspot. Reclassification based on statistical prior probability.